The following is an entry in ClinVar:

ClinVar aggregate classification (germline): Uncertain significance (1 of 4 stars; one submission).

Conditions:
Classic or attenuated familial adenomatous polyposis. Identifiers: MedGen CN372698, MONDO:0021057.

Submission:

All of Us Research Program, National Institutes of Health
Classification: Uncertain significance for Classic or attenuated familial adenomatous polyposis. Last evaluated: 2023-11-02. Review status: criteria provided, single submitter. Criteria: ACMG Guidelines, 2015. Collection method: clinical testing. Allele origin: germline. Inheritance: Autosomal dominant inheritance. Observed: 1 variant allele, 1 heterozygote.
Comment: This missense variant replaces proline with leucine at codon 1467 of the APC protein. Computational prediction suggests that this variant may not impact protein structure and function (internally defined REVEL score threshold <= 0.5, PMID: 27666373). To our knowledge, functional studies have not been reported for this variant. This variant has not been reported in individuals affected with APC-related disorders in the literature. This variant has not been identified in the general population by the Genome Aggregation Database (gnomAD). The available evidence is insufficient to determine the role of this variant in disease conclusively. Therefore, this variant is classified as a Variant of Uncertain Significance.

This study involves interpretation of variants in research participants for the purpose of population health screening. Participant phenotype was not available at the time of variant classification. Additional details can be found in publication PMID: 35346344, PMCID: PMC8962531

NM_000038.6(APC):c.4400C>T (p.Pro1467Leu)

Gene: APC (APC regulator of WNT signaling pathway; plus strand). Cytogenetic location: 5q22.2.
Variant type: single nucleotide variant.
Coding change: c.4400C>T on transcript NM_000038.6 (MANE Select); coding-DNA position 4400, C replaced by T.
Protein change: p.Pro1467Leu; replaces proline 1467 with leucine.
Molecular consequence: missense variant. On other transcripts: non-coding transcript variant (2).
Genome position (GRCh38, 1-based): chr5:112,839,994, C>T. VCF-style: chr5-112839994-C-T. GRCh37 (hg19) VCF-style: chr5-112175691-C-T.
Other names: c.4400C>T, p.Pro1467Leu (NM_001127510.3, NM_001354895.2, NM_001407450.1); c.4346C>T, p.Pro1449Leu (NM_001127511.3); c.4454C>T, p.Pro1485Leu (NM_001354896.2, NM_001407447.1, NM_001407448.1 and 1 more transcripts); c.4430C>T, p.Pro1477Leu (NM_001354897.2); c.4325C>T, p.Pro1442Leu (NM_001354898.2); c.4316C>T, p.Pro1439Leu (NM_001354899.2); c.4277C>T, p.Pro1426Leu (NM_001354900.2); c.4223C>T, p.Pro1408Leu (NM_001354901.2, NM_001407453.1); and 11 more; short protein forms P1083L, P1184L, P1307L, P1338L, P1341L, P1366L, P1376L, P1384L.
Identifiers: ClinVar variation 3074227 (VCV003074227.1), dbSNP rs2149913812, ClinGen allele CA16030968.
Genomic context (GRCh38, chr5:112,839,994, plus strand): 5'-AAACCAAGCGAGAAGTACCTAAAAATAAAGCACCTACTGCTGAAAAGAGAGAGAGTGGAC[C>T]TAAGCAAGCTGCAGTAAATGCTGCAGTTCAGAGGGTCCAGGTTCTTCCAGATGCTGATAC-3'
Protein context (NP_000029.2, residues 1457-1477): APTAEKRESG[Pro1467Leu]KQAAVNAAVQ